The following is an entry in ClinVar:

ClinVar aggregate classification (germline): Conflicting classifications of pathogenicity. Review status: criteria provided, conflicting classifications (1 of 4 stars). 2 submissions from 2 submitters: Uncertain significance (1); Likely benign (1). Last evaluated 2019-10-21.

Conditions:
Cardiovascular phenotype. Identifiers: MedGen CN230736.

gnomAD v4.1: 1 of 1,613,890 alleles (0.000062%); no homozygotes.

Submissions (2):

Ambry Genetics
Classification: Uncertain significance for Cardiovascular phenotype. Last evaluated: 2019-10-21. Review status: criteria provided, single submitter. Criteria: Ambry Variant Classification Scheme 2023. Collection method: clinical testing. Allele origin: germline.
Comment: The p.T1475P variant (also known as c.4423A>C), located in coding exon 24 of the TTN gene, results from an A to C substitution at nucleotide position 4423. The threonine at codon 1475 is replaced by proline, an amino acid with highly similar properties. This amino acid position is poorly conserved in available vertebrate species. In addition, this alteration is predicted to be tolerated by in silico analysis. Since supporting evidence is limited at this time, the clinical significance of this alteration remains unclear.

GeneDx
Classification: Likely benign. Last evaluated: 2018-06-13. Review status: criteria provided, single submitter. Criteria: GeneDx Variant Classification (06012015). Collection method: clinical testing. Allele origin: germline. Affected: yes.
Comment: This variant is considered likely benign or benign based on one or more of the following criteria: it is a conservative change, it occurs at a poorly conserved position in the protein, it is predicted to be benign by multiple in silico algorithms, and/or has population frequency not consistent with disease.

NM_001267550.2(TTN):c.4561A>C (p.Thr1521Pro)

Genes: TTN (titin; minus strand), LOC101927055 (uncharacterized LOC101927055; plus strand). Cytogenetic location: 2q31.2.
Variant type: single nucleotide variant.
Coding change: c.4561A>C on transcript NM_001267550.2 (MANE Select); coding-DNA position 4561, A replaced by C.
Protein change: p.Thr1521Pro; replaces threonine 1521 with proline.
Molecular consequence: missense variant. On other transcripts: non-coding transcript variant (1).
Genome position (GRCh38, 1-based): chr2:178,777,504, T>G on the plus strand (A>C on the coding strand, the complement: TTN is on the minus strand). VCF-style: chr2-178777504-T-G. GRCh37 (hg19) VCF-style: chr2-179642231-T-G.
Other names: c.4561A>C, p.Thr1521Pro (NM_001256850.1, NM_133378.4, NM_133379.5); c.4423A>C, p.Thr1475Pro (NM_003319.4, NM_133432.3, NM_133437.4); short protein forms T1475P, T1521P.
Identifiers: ClinVar variation 670040 (VCV000670040.3), dbSNP rs1574674545, ClinGen allele CA349466793.